The following is an entry in ClinVar:

ClinVar aggregate classification (germline): Uncertain significance (1 of 4 stars; one submission).

Conditions:
FG syndrome (FGS). Identifiers: MedGen C0220769, MONDO:0002010.

Submission:

Labcorp Genetics (formerly Invitae), Labcorp
Classification: Uncertain significance for FG syndrome. Last evaluated: 2023-09-19. Review status: criteria provided, single submitter. Criteria: Invitae Variant Classification Sherloc (09022015). Collection method: clinical testing. Allele origin: germline.
Comment: In summary, the available evidence is currently insufficient to determine the role of this variant in disease. Therefore, it has been classified as a Variant of Uncertain Significance. Algorithms developed to predict the effect of sequence changes on RNA splicing suggest that this variant may disrupt the consensus splice site. Experimental studies and prediction algorithms are not available or were not evaluated, and the functional significance of this variant is currently unknown. This variant has not been reported in the literature in individuals affected with MED12-related conditions. The frequency data for this variant in the population databases is considered unreliable, as metrics indicate poor data quality at this position in the gnomAD database. This variant, c.6276_6278del, results in the deletion of 1 amino acid(s) of the MED12 protein (p.Gln2115del), but otherwise preserves the integrity of the reading frame.

NC_000023.11:g.71141229GCA[3]

Gene: MED12 (mediator complex subunit 12; plus strand). Cytogenetic location: Xq13.1.
Variant type: Microsatellite.
Genome position: GRCh38 VCF-style: chrX-71141227-TAGC-T. GRCh37 (hg19) VCF-style: chrX-70361077-TAGC-T.
Identifiers: ClinVar variation 2739976 (VCV002739976.3), dbSNP rs748394417, ClinGen allele CA641958667.
Genomic context (GRCh38, chrX:71,141,227, plus strand): 5'-TTTAGTTCTGAGGCTTAGCTTCCTCCCTCTGCTCCTTCTGAAGTATCTTTTGTGTTCTTA[TAGC>T]AGCAGCAGCAACAGCAACAGCAGCAGCAGCAGCAGCAGCAACAGCAACAGCAGCAGCAGC-3'